The following is an entry in ClinVar:

ClinVar aggregate classification (germline): Pathogenic/Likely pathogenic. Review status: criteria provided, multiple submitters, no conflicts (2 of 4 stars). 3 submissions from 3 submitters: Pathogenic (1); Likely pathogenic (1). 1 of the submissions does not count toward it. Last evaluated 2024-05-08.

Conditions:
Isovaleryl-CoA dehydrogenase deficiency (IVA). Also called: Classic Isovaleric Acidemia; ISOVALERIC ACID CoA DEHYDROGENASE DEFICIENCY; Isovaleric acidemia; IVD DEFICIENCY. Identifiers: Orphanet 33, MedGen C0268575, MONDO:0009475, OMIM 243500.

Submissions (3):

Natera, Inc.
Classification: Likely pathogenic for Isovaleryl-coa dehydrogenase deficiency. Last evaluated: 2024-05-08. Review status: criteria provided, single submitter. Criteria: Natera Variant Classification Schema (03/2026). Collection method: clinical testing. Allele origin: germline.
Comment: The c.1238_1265delGGCGGCTGGTCATCGGCAGAGCCTTCAA variant in IVD is a frameshift variant predicted to elongate the protein beyond the termination codon. This variant is expected to result in nonsense mediated decay, truncation, or a dysfunctional protein product. This variant is rare in the general population with a frequency below the threshold expected for the associated phenotype(s). Given the available evidence, this variant is classified as Likely Pathogenic.

Labcorp Genetics (formerly Invitae), Labcorp
Classification: Pathogenic for Isovaleryl-CoA dehydrogenase deficiency. Last evaluated: 2023-12-09. Review status: criteria provided, single submitter. Criteria: Invitae Variant Classification Sherloc (09022015). Collection method: clinical testing. Allele origin: germline.
Comment: This sequence change results in a frameshift in the IVD gene (p.Arg413Metfs*24). While this is not anticipated to result in nonsense mediated decay, it is expected to disrupt the last 14 amino acid(s) of the IVD protein and extend the protein by 9 additional amino acid residues. This variant is not present in population databases (gnomAD no frequency). This variant has not been reported in the literature in individuals affected with IVD-related conditions. ClinVar contains an entry for this variant (Variation ID: 551276). This variant disrupts a region of the IVD protein in which other variant(s) (p.Arg414Trp) have been determined to be pathogenic (PMID: 25220015; Invitae). This suggests that this is a clinically significant region of the protein, and that variants that disrupt it are likely to be disease-causing. For these reasons, this variant has been classified as Pathogenic.

Counsyl
Classification: Likely pathogenic for Isovaleryl-CoA dehydrogenase deficiency. Last evaluated: 2017-03-28. Review status: no assertion criteria provided. Collection method: clinical testing. Allele origin: unknown. Not counted in ClinVar's aggregate classification.

Literature cited by the submitters: PubMed 25220015 (cited by Labcorp Genetics (formerly Invitae), Labcorp); PubMed 10713113 (cited by Counsyl).

NM_002225.5(IVD):c.1229_1256del (p.Arg410fs)

Gene: IVD (isovaleryl-CoA dehydrogenase; plus strand). Cytogenetic location: 15q15.1.
Variant type: Deletion.
Coding change: c.1229_1256del on transcript NM_002225.5 (MANE Select); coding-DNA positions 1229 to 1256, 28 bases deleted (GGCGGCTGGTCATCGGCAGAGCCTTCAA).
Protein change: p.Arg410fs; shifts the reading frame from arginine 410.
Molecular consequence: frameshift variant. On other transcripts: intron variant (3).
Genome position (GRCh38, 1-based): chr15:40,418,220-40,418,247, GGCGGCTGGTCATCGGCAGAGCCTTCAA deleted; deleting any 28 consecutive bases within chr15:40,418,219-40,418,247 gives the same sequence; the c. name uses the placement nearest the transcript's 3' end. VCF-style (leftmost placement, unchanged base first): chr15-40418218-GAGGCGGCTGGTCATCGGCAGAGCCTTCA-G. GRCh37 (hg19) VCF-style: chr15-40710417-GAGGCGGCTGGTCATCGGCAGAGCCTTCA-G.
Other names: c.1139_1166del, p.Arg380fs (NM_001159508.3); c.1181_1208del, p.Arg394fs (NM_001354597.3); c.1316_1343del, p.Arg439fs (NM_001354599.3); c.1225+1858_1225+1885del (NM_001354600.3); c.1138+1858_1138+1885del (NM_001354598.3, NM_001354601.3); c.1238_1265delGGCGGCTGGTCATCGGCAGAGCCTTCAA (NM_002225.3); short protein forms R380fs, R410fs, R439fs, R394fs.
Identifiers: ClinVar variation 551276 (VCV000551276.6), dbSNP rs1555405428, ClinGen allele CA658823801.